The following is an entry in ClinVar:

NM_001376.5(DYNC1H1):c.390C>T (p.Pro130=)

Gene: DYNC1H1 (dynein cytoplasmic 1 heavy chain 1; plus strand). Cytogenetic location: 14q32.31.
Variant type: single nucleotide variant.
Coding change: c.390C>T on transcript NM_001376.5 (MANE Select); coding-DNA position 390, C replaced by T.
Protein change: p.Pro130=; no amino-acid change (proline 130 retained).
Molecular consequence: synonymous variant.
Genome position (GRCh38, 1-based): chr14:101,979,364, C>T. VCF-style: chr14-101979364-C-T. GRCh37 (hg19) VCF-style: chr14-102445701-C-T.
Identifiers: ClinVar variation 883657 (VCV000883657.18), dbSNP rs2273439, ClinGen allele CA7351521.

ClinVar aggregate classification (germline): Conflicting classifications of pathogenicity. Review status: criteria provided, conflicting classifications (1 of 4 stars). 6 submissions from 5 submitters: Uncertain significance (3); Benign (1); Likely benign (2). Last evaluated 2025-09-23.

Conditions:
Autosomal dominant cerebellar ataxia. Also called: Spinocerebellar Ataxia, Dominant. Identifiers: Orphanet 99, MedGen C4087347, MONDO:0020380.
Charcot-Marie-Tooth disease axonal type 2O. Also called: Charcot-Marie-Tooth disease, axonal, type 20; CHARCOT-MARIE-TOOTH NEUROPATHY, AXONAL, TYPE 2O; CHARCOT-MARIE-TOOTH DISEASE, AXONAL, AUTOSOMAL DOMINANT, TYPE 2O; Charcot-Marie-Tooth Neuropathy Type 2O. Identifiers: Orphanet 284232, MedGen C3280220, MONDO:0013644, OMIM 614228.
Inborn genetic diseases. Identifiers: MedGen C0950123, MeSH D030342.

Allele frequency attached by ClinVar (database versions not stated): gnomAD 0.00001; gnomAD exomes 0.00001 and 0.00002; TOPMed 0.00001; ExAC 0.00002.
gnomAD v4.1: 36 of 1,614,034 alleles (0.0022%); highest among the groups gnomAD compares: East Asian, 0.049%; no homozygotes.

Submissions (6):

Labcorp Genetics (formerly Invitae), Labcorp
Classification: Likely benign for Charcot-Marie-Tooth disease axonal type 2O. Last evaluated: 2025-09-23. Review status: criteria provided, single submitter. Criteria: Invitae Variant Classification Sherloc (09022015). Collection method: clinical testing. Allele origin: germline.

GeneDx
Classification: Uncertain significance. Last evaluated: 2021-04-26. Review status: criteria provided, single submitter. Criteria: GeneDx Variant Classification Process June 2021. Collection method: clinical testing. Allele origin: germline. Affected: yes.
Comment: Has not been previously published as pathogenic or benign to our knowledge; In silico analysis, which includes splice predictors and evolutionary conservation, suggests this variant may impact gene splicing. In the absence of RNA/functional studies, the actual effect of this sequence change is unknown.

Ambry Genetics
Classification: Likely benign for Inborn genetic diseases. Last evaluated: 2020-09-16. Review status: criteria provided, single submitter. Criteria: Ambry Variant Classification Scheme 2023. Collection method: clinical testing. Allele origin: germline.

Athena Diagnostics
Classification: Benign. Last evaluated: 2019-11-12. Review status: criteria provided, single submitter. Criteria: Athena Diagnostics Criteria. Collection method: clinical testing. Allele origin: unknown.

Illumina Laboratory Services, Illumina
Classification: Uncertain significance for Spinocerebellar Ataxia, Dominant. Last evaluated: 2018-01-12. Review status: criteria provided, single submitter. Criteria: ICSL Variant Classification Criteria 13 December 2019. Collection method: clinical testing. Allele origin: germline.

Illumina Laboratory Services, Illumina
Classification: Uncertain significance for Charcot-Marie-Tooth disease axonal type 2O. Last evaluated: 2018-01-12. Review status: criteria provided, single submitter. Criteria: ICSL Variant Classification Criteria 13 December 2019. Collection method: clinical testing. Allele origin: germline.